The following is an entry in ClinVar:

NM_000051.4(ATM):c.6096-17A>G

Genes: ATM (ATM serine/threonine kinase; plus strand), C11orf65 (chromosome 11 open reading frame 65; minus strand). Cytogenetic location: 11q22.3.
Variant type: single nucleotide variant.
Coding change: c.6096-17A>G on transcript NM_000051.4 (MANE Select); 17 bases into the intron before coding-DNA position 6096, A replaced by G.
Molecular consequence: intron variant.
Genome position (GRCh38, 1-based): chr11:108,315,994, A>G. VCF-style: chr11-108315994-A-G. GRCh37 (hg19) VCF-style: chr11-108186721-A-G.
Other names: c.6096-17A>G (NM_001351834.2); c.641-6923T>C (NM_001330368.2); c.*39-6923T>C (NM_001351110.2).
Identifiers: ClinVar variation 3254071 (VCV003254071.1), dbSNP rs2136126026.

ClinVar aggregate classification (germline): Likely benign (1 of 4 stars; one submission).

Conditions:
Familial cancer of breast. Also called: hereditary breast carcinoma; BREAST CANCER, FAMILIAL; Hereditary breast cancer. Identifiers: Orphanet 227535, MedGen C0346153, MONDO:0016419, OMIM 114480. Disease mechanism: loss of function.

Submission:

Myriad Genetics, Inc.
Classification: Likely benign for Familial cancer of breast. Last evaluated: 2024-06-03. Review status: criteria provided, single submitter. Criteria: Myriad Autosomal Dominant, Autosomal Recessive and X-Linked Classification Criteria (2023). Collection method: clinical testing. Allele origin: unknown.
Comment: This variant is considered likely benign. This variant is intronic and is not expected to impact mRNA splicing.